The following is an entry in ClinVar:

ClinVar aggregate classification (germline): Uncertain significance (1 of 4 stars; one submission).

Submission:

GeneDx
Classification: Uncertain significance. Last evaluated: 2026-03-11. Review status: criteria provided, single submitter. Criteria: GeneDx Variant Classification Process June 2021. Collection method: clinical testing. Allele origin: germline.
Comment: Not observed at significant frequency in large population cohorts (gnomAD); In silico analysis suggests that this variant does not alter splicing; Has not been previously published as pathogenic or benign to our knowledge; Reported using an alternate transcript of the gene

NM_001031679.3(MSRB3):c.51C>A (p.Ala17=)

Gene: MSRB3 (methionine sulfoxide reductase B3; plus strand). Cytogenetic location: 12q14.3.
Variant type: single nucleotide variant.
Coding change: c.51C>A on transcript NM_001031679.3 (MANE Select); coding-DNA position 51, C replaced by A.
Protein change: p.Ala17=; no amino-acid change (alanine 17 retained).
Molecular consequence: synonymous variant. On other transcripts: intron variant (1).
Genome position (GRCh38, 1-based): chr12:65,308,630, C>A. VCF-style: chr12-65308630-C-A. GRCh37 (hg19) VCF-style: chr12-65702410-C-A.
Other names: c.51C>A, p.Ala17= (NM_001193460.2, NM_001193461.2); c.98-18196C>A (NM_198080.4).
Identifiers: ClinVar variation 5008819 (VCV005008819.1).